The following is an entry in ClinVar:

NM_032271.3(TRAF7):c.1013-5C>G

Gene: TRAF7 (TNF receptor associated factor 7; plus strand). Cytogenetic location: 16p13.3.
Variant type: single nucleotide variant.
Coding change: c.1013-5C>G on transcript NM_032271.3 (MANE Select); 5 bases into the intron before coding-DNA position 1013, C replaced by G.
Molecular consequence: intron variant.
Genome position (GRCh38, 1-based): chr16:2,173,476, C>G. VCF-style: chr16-2173476-C-G. GRCh37 (hg19) VCF-style: chr16-2223477-C-G.
Identifiers: ClinVar variation 1879322 (VCV001879322.29), dbSNP rs2545006778, ClinGen allele CA2580090962.

ClinVar aggregate classification (germline): Uncertain significance (1 of 4 stars; one submission).

Submission:

CeGaT Center for Human Genetics Tuebingen
Classification: Uncertain significance. Last evaluated: 2022-10-01. Review status: criteria provided, single submitter. Criteria: CeGaT Center For Human Genetics Tuebingen Variant Classification Criteria Version 2. Collection method: clinical testing. Allele origin: germline. Affected: yes. Observed: 1 variant allele.
Comment: TRAF7: PM2, PP3, BP5